The following is an entry in ClinVar:

ClinVar aggregate classification (germline): Uncertain significance. Review status: criteria provided, multiple submitters, no conflicts (2 of 4 stars). 2 submissions from 2 submitters: Uncertain significance (2). Last evaluated 2022-10-08.

Conditions:
DICER1-related tumor predisposition. Also called: DICER1-related pleuropulmonary blastoma cancer predisposition syndrome; DICER1 syndrome. Identifiers: Orphanet 284343, MedGen C3839822, MONDO:0100216.
Hereditary cancer-predisposing syndrome. Also called: Hereditary Cancer Syndrome; Tumor predisposition; Neoplastic Syndromes, Hereditary; Hereditary neoplastic syndrome. Identifiers: Orphanet 140162, MedGen C0027672, MeSH D009386, MONDO:0015356.

Submissions (2):

Ambry Genetics
Classification: Uncertain significance for Hereditary cancer-predisposing syndrome. Last evaluated: 2022-10-08. Review status: criteria provided, single submitter. Criteria: Ambry Variant Classification Scheme 2023. Collection method: clinical testing. Allele origin: germline.
Comment: The p.E1856Q variant (also known as c.5566G>C), located in coding exon 25 of the DICER1 gene, results from a G to C substitution at nucleotide position 5566. The glutamic acid at codon 1856 is replaced by glutamine, an amino acid with highly similar properties. This amino acid position is conserved. In addition, this alteration is predicted to be tolerated by in silico analysis. Since supporting evidence is limited at this time, the clinical significance of this alteration remains unclear.

Labcorp Genetics (formerly Invitae), Labcorp
Classification: Uncertain significance for DICER1-related tumor predisposition. Last evaluated: 2018-10-20. Review status: criteria provided, single submitter. Criteria: Invitae Variant Classification Sherloc (09022015). Collection method: clinical testing. Allele origin: germline.
Comment: In summary, the available evidence is currently insufficient to determine the role of this variant in disease. Therefore, it has been classified as a Variant of Uncertain Significance. Algorithms developed to predict the effect of missense changes on protein structure and function (SIFT, PolyPhen-2, Align-GVGD) all suggest that this variant is likely to be disruptive, but these predictions have not been confirmed by published functional studies and their clinical significance is uncertain. This variant has not been reported in the literature in individuals with DICER1-related disease. This variant is not present in population databases (ExAC no frequency). This sequence change replaces glutamic acid with glutamine at codon 1856 of the DICER1 protein (p.Glu1856Gln). The glutamic acid residue is highly conserved and there is a small physicochemical difference between glutamic acid and glutamine.

NM_177438.3(DICER1):c.5566G>C (p.Glu1856Gln)

Gene: DICER1 (dicer 1, ribonuclease III; minus strand). Cytogenetic location: 14q32.13.
Variant type: single nucleotide variant.
Coding change: c.5566G>C on transcript NM_177438.3 (MANE Select); coding-DNA position 5566, G replaced by C.
Protein change: p.Glu1856Gln; replaces glutamic acid 1856 with glutamine.
Molecular consequence: missense variant.
Genome position (GRCh38, 1-based): chr14:95,091,071, C>G on the plus strand (G>C on the coding strand, the complement: DICER1 is on the minus strand). VCF-style: chr14-95091071-C-G. GRCh37 (hg19) VCF-style: chr14-95557408-C-G.
Other names: c.5403G>C, p.Glu1801Asp (NM_001195573.1); c.5566G>C, p.Glu1856Gln (NM_001271282.3, NM_001291628.2, NM_030621.4); short protein forms E1856Q, E1801D.
Identifiers: ClinVar variation 651007 (VCV000651007.12), dbSNP rs1595312859, ClinGen allele CA390864241.
Genomic context (GRCh38, chr14:95,091,071, plus strand): 5'-TTCCATGTACATTTTTTGCTTACCTAAATTTGGCAGTTTCTGGTTCCATTTCAAGCAATT[C>G]TCGCACAGGGGAACGGGGTACATTTGCAGAAAACTTTTCTGCAATCAAAATGAAAGAATA-3'
Protein context (NP_803187.1, residues 1846-1866): SANVPRSPVR[Glu1856Gln]LLEMEPETAK